The following is an entry in ClinVar:

ClinVar aggregate classification (germline): Conflicting classifications of pathogenicity. Review status: criteria provided, conflicting classifications (1 of 4 stars). 2 submissions from 2 submitters: Uncertain significance (1); Likely benign (1). Last evaluated 2024-04-08.

Conditions:
Hereditary cancer-predisposing syndrome. Also called: Hereditary Cancer Syndrome; Hereditary neoplastic syndrome; Tumor predisposition; Neoplastic Syndromes, Hereditary. Identifiers: Orphanet 140162, MedGen C0027672, MeSH D009386, MONDO:0015356.
Multiple endocrine neoplasia, type 2 (MEN2). Identifiers: Orphanet 653, MedGen C4048306, MONDO:0019003. Disease mechanism: gain of function.

Allele frequency attached by ClinVar (database versions not stated): ExAC 0.00005.
gnomAD v4.1: 7 of 1,593,132 alleles (0.00044%); highest among the groups gnomAD compares: South Asian, 0.0079%; no homozygotes.

Submissions (2):

Labcorp Genetics (formerly Invitae), Labcorp
Classification: Likely benign for Multiple endocrine neoplasia, type 2. Last evaluated: 2024-04-08. Review status: criteria provided, single submitter. Criteria: Invitae Variant Classification Sherloc (09022015). Collection method: clinical testing. Allele origin: germline.

Ambry Genetics
Classification: Uncertain significance for Hereditary cancer-predisposing syndrome. Last evaluated: 2021-05-19. Review status: criteria provided, single submitter. Criteria: Ambry Variant Classification Scheme 2023. Collection method: clinical testing. Allele origin: germline.
Comment: The c.2393-4C>G intronic variant results from a C to G substitution 4 nucleotides upstream from coding exon 14 in the RET gene. This nucleotide position is not well conserved in available vertebrate species. In silico splice site analysis predicts that this alteration will not have any significant effect on splicing. Since supporting evidence is limited at this time, the clinical significance of this alteration remains unclear.

NM_020975.6(RET):c.2393-4C>G

Gene: RET (ret proto-oncogene; plus strand). Cytogenetic location: 10q11.21.
Variant type: single nucleotide variant.
Coding change: c.2393-4C>G on transcript NM_020975.6 (MANE Select); 4 bases into the intron before coding-DNA position 2393, C replaced by G.
Molecular consequence: intron variant.
Genome position (GRCh38, 1-based): chr10:43,119,527, C>G. VCF-style: chr10-43119527-C-G. GRCh37 (hg19) VCF-style: chr10-43614975-C-G.
Other names: c.2393-4C>G (NM_020630.7, NM_001406743.1, NM_001406744.1 and 2 more transcripts); c.2258-4C>G (NM_001406765.1, NM_001406763.1); c.1997-4C>G (NM_001406772.1, NM_001406769.1); c.1955-4C>G (NM_001406773.1, NM_001406771.1); c.1496-4C>G (NM_001406782.1, NM_001406780.1, NM_001406779.1 and 1 more transcripts); c.1361-4C>G (NM_001406787.1); c.1376-4C>G (NM_001406785.1); c.2264-4C>G (NM_001406764.1, NM_001406762.1, NM_001406761.1); and 10 more.
Identifiers: ClinVar variation 1790581 (VCV001790581.4), dbSNP rs768398267, ClinGen allele CA039001.